The following is an entry in ClinVar:

NM_000219.6(KCNE1):c.75C>G (p.Gly25=)

Gene: KCNE1 (potassium voltage-gated channel subfamily E regulatory subunit 1; minus strand). Cytogenetic location: 21q22.12.
Variant type: single nucleotide variant.
Coding change: c.75C>G on transcript NM_000219.6 (MANE Select); coding-DNA position 75, C replaced by G.
Protein change: p.Gly25=; no amino-acid change (glycine 25 retained).
Molecular consequence: synonymous variant.
Genome position (GRCh38, 1-based): chr21:34,449,560, G>C on the plus strand (C>G on the coding strand, the complement: KCNE1 is on the minus strand). VCF-style: chr21-34449560-G-C. GRCh37 (hg19) VCF-style: chr21-35821858-G-C.
Other names: c.75C>G, p.Gly25= (NM_001127668.4, NM_001127669.4, NM_001127670.4 and 4 more transcripts).
Identifiers: ClinVar variation 3373979 (VCV003373979.2).
Genomic context (GRCh38, chr21:34,449,560, plus strand): 5'-GAGGGCCTCCAGCTTGCCGTCACTGCTGCGGGGGGACCTGCGGGCCAGGCCCGACATGTT[G>C]CCACCCTGCTGAACTGTCTCCTGCCACAGCTTGGTCAGAAAGGGCGTCACCGCTGTGGTG-3'
Protein context (NP_000210.2, residues 15-35): KLWQETVQQG[Gly25=]NMSGLARRSP

Conditions:
Long QT syndrome 5 (LQT5). Identifiers: Orphanet 101016, Orphanet 768, MedGen C1867904, MONDO:0013372, OMIM 613695.

Submission:

Roden Lab, Vanderbilt University Medical Center
No classification provided (evidence only). Condition: Long QT syndrome 5. Review status: no classification provided. Collection method: in vitro. Allele origin: not applicable. Functional consequence: Effect on ion channel function.
ClinVar note: "not provided" was previously submitted as the classification for the variant. However, the classification appeared to be based only on an observation of functional data so it was converted to no classification on 2025-07-30.